The following is an entry in ClinVar:

ClinVar aggregate classification (germline): Likely pathogenic. Review status: reviewed by expert panel (3 of 4 stars). 2 submissions from 2 submitters: Likely pathogenic (1). 1 of the submissions does not count toward it. Last evaluated 2025-03-03.

Conditions:
Mucopolysaccharidosis type 1. Also called: Mucopolysaccharidosis Type I; IDUA deficiency; MPS I. Identifiers: Orphanet 579, MedGen C0023786, MONDO:0001586.
Hurler syndrome. Also called: Severe MPS I (Hurler Syndrome); Gargoylism, Hurler Syndrome; MUCOPOLYSACCHARIDOSIS TYPE IH. Identifiers: Orphanet 93473, MedGen C0086795, MONDO:0011758, OMIM 607014.

Allele frequency attached by ClinVar (database versions not stated): gnomAD exomes below 0.00001.
gnomAD v4.1: 1 of 1,570,606 alleles (0.000064%); highest among the groups gnomAD compares: Non-Finnish European, 0.000086%; no homozygotes.

Submissions (2):

ClinGen Lysosomal Storage Disorder Variant Curation Expert Panel
Classification: Likely pathogenic for Mucopolysaccharidosis type 1. Last evaluated: 2025-03-03. Review status: reviewed by expert panel. Criteria: ClinGen LSD ACMG Specifications IDUA V1.0.0. Collection method: curation. Allele origin: germline. Inheritance: Autosomal recessive inheritance.
Comment: The NM_000203.5:c.928C>T (p.Gln310Ter) variant in IDUA is a nonsense variant predicted to cause a premature stop codon in biologically-relevant exon 7 out of 14, leading to nonsense mediated decay in a gene in which loss-of-function is an established disease mechanism. However, RT-PCR product showed a "doublet" with an upper band slightly larger than the normal band (505bp). Part of the mRNA was spliced from intron 5 to include 28nt of intronic sequence, indicating use of a cryptic splice site. This alternative splicing was said to create a frameshift and an open reading frame until exon 9. Since RT-PCR appears to show a near complete proportion of alternatively spliced transcript, the strength of PVS1 was reduced by 1 level to strong (PVS1_Strong; PMID: 8328452). This variant has been detected in at least 1 individual with MPS I. This individual was homozygous for the variant (PMID: 8328452; PM3_Supporting). At least 1 patient with this variant had clinical features specific to MPS I including dysostosis multiplex, corneal opacities, hepatosplenomegaly, and arthropathy (PMID: 8328452; PP4). The highest population minor allele frequency in gnomAD v4.0. is 0.0000008630 (1/1158762 alleles) in the European non-Finnish population, which is lower than the ClinGen Lysosomal Diseases VCEP’s threshold for PM2_Supporting (<0.00025), meeting this criterion (PM2_Supporting). To our knowledge, the results of functional assays have not been reported for this variant. There is a ClinVar entry for this variant (Variation ID: 11915, 0 star review status) with 1 submitter classifying the variant as pathogenic; however this submitter is OMIM. In summary, this variant meets the criteria to be classified as likely pathogenic for MPS I based on the ACMG/AMP criteria applied, as specified by the ClinGen Lysosomal Diseases Variant Curation Expert panel (Specifications Version 1.0.0): PVS1_Strong, PM3_Supporting, PP4, PM2_Supporting. (Classification approved by the ClinGen Lysosomal Diseases Variant Curation Expert Panel on March 3, 2025)

OMIM
Classification: Pathogenic for HURLER SYNDROME. Last evaluated: 1993-08-01. Review status: no assertion criteria provided. Collection method: literature only. Allele origin: germline. Not counted in ClinVar's aggregate classification.

Literature cited by the submitters: PubMed 8328452 (cited by OMIM).

NM_000203.5(IDUA):c.928C>T (p.Gln310Ter)

Gene: IDUA (alpha-L-iduronidase; plus strand). Cytogenetic location: 4p16.3.
Variant type: single nucleotide variant.
Coding change: c.928C>T on transcript NM_000203.5 (MANE Select); coding-DNA position 928, C replaced by T.
Protein change: p.Gln310Ter; replaces glutamine 310 with a stop codon.
Molecular consequence: nonsense. On other transcripts: non-coding transcript variant (1).
Genome position (GRCh38, 1-based): chr4:1,002,117, C>T. VCF-style: chr4-1002117-C-T. GRCh37 (hg19) VCF-style: chr4-995905-C-T.
Other names: NM_000203.5(IDUA):c.928C>T; p.Gln310Ter; c.532C>T, p.Gln178Ter (NM_001363576.1); short protein forms Q310*, Q178*.
Identifiers: ClinVar variation 11915 (VCV000011915.2), dbSNP rs121965023, ClinGen allele CA256115.
Genomic context (GRCh38, chr4:1,002,117, plus strand): 5'-TTCGCGGACACCCCCATTTACAACGACGAGGCGGACCCGCTGGTGGGCTGGTCCCTGCCA[C>T]AGCCGTGGAGGGCGGACGTGACCTACGCGGCCATGGTGGTGAAGGTGGGCCGGCCCAACG-3'